The following is an entry in ClinVar:

ClinVar aggregate classification (germline): Uncertain significance (1 of 4 stars; one submission).

Conditions:
Primary ciliary dyskinesia. Also called: Ciliary dyskinesia. Identifiers: Orphanet 244, MedGen C0008780, MONDO:0016575, HP:0012265.

Allele frequency attached by ClinVar (database versions not stated): TOPMed below 0.00001; gnomAD exomes 0.00001; ExAC 0.00005.
gnomAD v4.1: 14 of 1,605,738 alleles (0.00087%); highest among the groups gnomAD compares: Admixed American, 0.024%; no homozygotes.

Submission:

Labcorp Genetics (formerly Invitae), Labcorp
Classification: Uncertain significance for Primary ciliary dyskinesia. Last evaluated: 2022-07-21. Review status: criteria provided, single submitter. Criteria: Invitae Variant Classification Sherloc (09022015). Collection method: clinical testing. Allele origin: germline.
Comment: This variant has not been reported in the literature in individuals affected with DNAH8-related conditions. In summary, the available evidence is currently insufficient to determine the role of this variant in disease. Therefore, it has been classified as a Variant of Uncertain Significance. Algorithms developed to predict the effect of sequence changes on RNA splicing suggest that this variant may create or strengthen a splice site. Algorithms developed to predict the effect of missense changes on protein structure and function are either unavailable or do not agree on the potential impact of this missense change (SIFT: "Tolerated"; PolyPhen-2: "Not Available"; Align-GVGD: "Class C0"). This variant is present in population databases (rs752099198, gnomAD 0.04%). This sequence change replaces threonine, which is neutral and polar, with alanine, which is neutral and non-polar, at codon 2636 of the DNAH8 protein (p.Thr2636Ala).

NM_001206927.2(DNAH8):c.7906A>G (p.Thr2636Ala)

Gene: DNAH8 (dynein axonemal heavy chain 8; plus strand). Cytogenetic location: 6p21.2.
Variant type: single nucleotide variant.
Coding change: c.7906A>G on transcript NM_001206927.2 (MANE Select); coding-DNA position 7906, A replaced by G.
Protein change: p.Thr2636Ala; replaces threonine 2636 with alanine.
Molecular consequence: missense variant.
Genome position (GRCh38, 1-based): chr6:38,882,957, A>G. VCF-style: chr6-38882957-A-G. GRCh37 (hg19) VCF-style: chr6-38850733-A-G.
Other names: c.7255A>G, p.Thr2419Ala (NM_001371.4); short protein forms T2636A, T2419A.
Identifiers: ClinVar variation 2148460 (VCV002148460.4), dbSNP rs752099198, ClinGen allele CA3790044.
Genomic context (GRCh38, chr6:38,882,957, plus strand): 5'-ACTTATTATATAGGTGATTGGGAGCACTGGAATAAGAAACTTCAGCCTTATTATTATCCA[A>G]CTGACAGTATTCCGGAATATTCATCAATTTTGGTTCCAAATGTTGACAATATTAGAACAA-3'
Protein context (NP_001193856.1, residues 2626-2646): NKKLQPYYYP[Thr2636Ala]DSIPEYSSIL